The following is an entry in ClinVar:

ClinVar aggregate classification (germline): Uncertain significance (1 of 4 stars; one submission).

Conditions:
Autosomal recessive polycystic kidney disease (ARPKD). Also called: AR polycystic kidney disease. Identifiers: Orphanet 731, Orphanet 8378, MedGen C0085548, MeSH D017044, MONDO:0009889.

Allele frequency attached by ClinVar (database versions not stated): gnomAD exomes below 0.00001; TOPMed below 0.00001; gnomAD 0.00001; ESP Exome Variant Server 0.00008.
gnomAD v4.1: 4 of 1,612,466 alleles (0.00025%); highest among the groups gnomAD compares: Admixed American, 0.0033%; no homozygotes.

Submission:

Labcorp Genetics (formerly Invitae), Labcorp
Classification: Uncertain significance for Autosomal recessive polycystic kidney disease. Last evaluated: 2023-10-13. Review status: criteria provided, single submitter. Criteria: Invitae Variant Classification Sherloc (09022015). Collection method: clinical testing. Allele origin: germline.
Comment: This sequence change replaces alanine, which is neutral and non-polar, with threonine, which is neutral and polar, at codon 532 of the PKHD1 protein (p.Ala532Thr). This variant is not present in population databases (gnomAD no frequency). This variant has not been reported in the literature in individuals affected with PKHD1-related conditions. ClinVar contains an entry for this variant (Variation ID: 1439465). Advanced modeling of protein sequence and biophysical properties (such as structural, functional, and spatial information, amino acid conservation, physicochemical variation, residue mobility, and thermodynamic stability) performed at Invitae indicates that this missense variant is expected to disrupt PKHD1 protein function. In summary, the available evidence is currently insufficient to determine the role of this variant in disease. Therefore, it has been classified as a Variant of Uncertain Significance.

NM_138694.4(PKHD1):c.1594G>A (p.Ala532Thr)

Gene: PKHD1 (PKHD1 ciliary IPT domain containing fibrocystin/polyductin; minus strand). Cytogenetic location: 6p12.2.
Variant type: single nucleotide variant.
Coding change: c.1594G>A on transcript NM_138694.4 (MANE Select); coding-DNA position 1594, G replaced by A.
Protein change: p.Ala532Thr; replaces alanine 532 with threonine.
Molecular consequence: missense variant.
Genome position (GRCh38, 1-based): chr6:52,056,898, C>T on the plus strand (G>A on the coding strand, the complement: PKHD1 is on the minus strand). VCF-style: chr6-52056898-C-T. GRCh37 (hg19) VCF-style: chr6-51921696-C-T.
Other names: c.1594G>A, p.Ala532Thr (NM_170724.3); short protein forms A532T.
Identifiers: ClinVar variation 1439465 (VCV001439465.6), dbSNP rs367837640, ClinGen allele CA138916384.